The following is an entry in ClinVar:

NM_001032386.2(SUOX):c.1405_1406insT (p.Thr469fs)

Gene: SUOX (sulfite oxidase; plus strand). Cytogenetic location: 12q13.2.
Variant type: Insertion.
Coding change: c.1405_1406insT on transcript NM_001032386.2 (MANE Select); coding-DNA positions 1405 to 1406, T inserted.
Protein change: p.Thr469fs; shifts the reading frame from threonine 469.
Molecular consequence: frameshift variant.
Genome position: GRCh38 VCF-style: chr12-56004794-A-AT. GRCh37 (hg19) VCF-style: chr12-56398578-A-AT.
Other names: c.1405_1406insT, p.Thr469fs (NM_000456.3, NM_001032387.2); short protein forms T469fs.
Identifiers: ClinVar variation 4731922 (VCV004731922.1).

ClinVar aggregate classification (germline): Pathogenic (1 of 4 stars; one submission).

Conditions:
Sulfite oxidase deficiency. Also called: Isolated sulfite oxidase deficiency. Identifiers: Orphanet 833, Orphanet 99731, MedGen C0268624, MONDO:0010089, OMIM 272300, HP:0003643.

Submission:

Labcorp Genetics (formerly Invitae), Labcorp
Classification: Pathogenic for Sulfite oxidase deficiency. Last evaluated: 2025-11-25. Review status: criteria provided, single submitter. Criteria: Invitae Variant Classification Sherloc (09022015). Collection method: clinical testing. Allele origin: germline.
Comment: This sequence change creates a premature translational stop signal (p.Thr469Ilefs*6) in the SUOX gene. While this is not anticipated to result in nonsense mediated decay, it is expected to disrupt the last 77 amino acid(s) of the SUOX protein. This variant is not present in population databases (gnomAD no frequency). This variant has not been reported in the literature in individuals affected with SUOX-related conditions. This variant disrupts a region of the SUOX protein in which other variant(s) (p.Arg529*) have been determined to be pathogenic (PMID: 17940249, 28980090). This suggests that this is a clinically significant region of the protein, and that variants that disrupt it are likely to be disease-causing. For these reasons, this variant has been classified as Pathogenic.

Literature cited by the submitters: PubMed 17940249; PubMed 28980090.